The following is an entry in ClinVar:

NM_024312.5(GNPTAB):c.2915+4_2915+9del

Gene: GNPTAB (N-acetylglucosamine-1-phosphate transferase subunits alpha and beta; minus strand). Cytogenetic location: 12q23.2.
Variant type: Deletion.
Coding change: c.2915+4_2915+9del on transcript NM_024312.5 (MANE Select); bases 4 to 9 of the intron after coding-DNA position 2915, 6 bases deleted (AGTCTT; older notation c.2915+4_2915+9delAGTCTT).
Molecular consequence: intron variant.
Genome position (GRCh38, 1-based): chr12:101,761,555-101,761,560, AAGACT deleted on the plus strand (AGTCTT on the coding strand, the reverse complement: GNPTAB is on the minus strand). VCF-style (leftmost placement, unchanged base first): chr12-101761554-CAAGACT-C. GRCh37 (hg19) VCF-style: chr12-102155332-CAAGACT-C.
Identifiers: ClinVar variation 974824 (VCV000974824.3), dbSNP rs1952994888, ClinGen allele CA1139662827.
Genomic context (GRCh38, chr12:101,761,554, plus strand): 5'-TAAATATGCACATTTCAAGTAGCCTTAGTTCTGAACACAAGCAAACAACTCAAACACGAG[CAAGACT>C]TACATATCTTGCAGTTCTTGCATAACAATCCGGTCAATCATGTGAGGCATGTGAGCAGGG-3'

ClinVar aggregate classification (germline): Likely pathogenic. Review status: criteria provided, multiple submitters, no conflicts (2 of 4 stars). 3 submissions from 3 submitters: Likely pathogenic (3). Last evaluated 2025-05-05.

Conditions:
Mucolipidosis type II. Also called: Mucolipidosis 2; ML 2; Inclusion cell disease; Leroy Disease; N-acetylglucosamine 1phosphotransferase deficiency; ML disorder type 2. Identifiers: Orphanet 576, MedGen C2673377, MONDO:0009650, OMIM 252500.

Submissions (3):

Medical Molecular Genetics Department, Human Genetics and Genome Research Division, National Research Centre
Classification: Likely pathogenic for Mucolipidosis type II. Last evaluated: 2025-05-05. Review status: criteria provided, single submitter. Criteria: ACMG Guidelines, 2015. Collection method: clinical testing. Allele origin: germline. Affected: yes. Observed: 1 variant allele.

3billion
Classification: Likely pathogenic for Mucolipidosis type II. Last evaluated: 2023-07-09. Review status: criteria provided, single submitter. Criteria: ACMG Guidelines, 2015. Collection method: clinical testing. Allele origin: germline. Affected: yes.
Comment: The variant is not observed in the gnomAD v2.1.1 dataset. Predicted Consequence/Location: Intron variant In silico tools predict the variant to alter splicing and produce an abnormal transcript (SpliceAI: 0.99). The variant has been reported to be in trans with a pathogenic variant as either compound heterozygous or homozygous in at least one similarly affected unrelated individual (PMID: 32860008).The variant has been reported to be associated with GNPTAB related disorder (ClinVar ID: VCV000974824 /PMID: 32860008). Therefore, this variant is classified as Likely pathogenic according to the recommendation of ACMG/AMP guideline.

CENTOGENE GmbH and LLC - Guiding Precision Medicine
Classification: Likely pathogenic for Mucolipidosis type II. Review status: criteria provided, single submitter. Criteria: ACMG Guidelines, 2015. Collection method: clinical testing. Allele origin: germline. Affected: yes.

Literature cited by the submitters: DOI 10.1038/s41431-020-00713-9 (cited by Medical Molecular Genetics Department, Human Genetics and Genome Research Division, National Research Centre); PubMed 32860008 (cited by 3billion and CENTOGENE GmbH and LLC - Guiding Precision Medicine).